The following is an entry in ClinVar:

ClinVar aggregate classification (germline): Benign (1 of 4 stars; one submission).

Conditions:
Melanoma, cutaneous malignant, susceptibility to, 3. Also called: Cutaneous malignant melanoma 3. Identifiers: Orphanet 618, MedGen C1836892, MONDO:0012183, OMIM 609048.

Submission:

Myriad Genetics, Inc.
Classification: Benign for Melanoma, cutaneous malignant, susceptibility to, 3. Last evaluated: 2024-09-26. Review status: criteria provided, single submitter. Criteria: Myriad Autosomal Dominant, Autosomal Recessive and X-Linked Classification Criteria (2023). Collection method: clinical testing. Allele origin: unknown.
Comment: This variant is considered benign. This variant is a silent/synonymous amino acid change and it is not expected to impact splicing.

NM_000075.4(CDK4):c.780G>T (p.Val260=)

Genes: CDK4 (cyclin dependent kinase 4; minus strand), TSPAN31 (tetraspanin 31; plus strand). Cytogenetic location: 12q14.1.
Variant type: single nucleotide variant.
Coding change: c.780G>T on transcript NM_000075.4 (MANE Select); coding-DNA position 780, G replaced by T.
Protein change: p.Val260=; no amino-acid change (valine 260 retained).
Molecular consequence: synonymous variant. On other transcripts: 3 prime UTR variant (3).
Genome position (GRCh38, 1-based): chr12:57,749,221, C>A on the plus strand (G>T on the coding strand, the complement: CDK4 is on the minus strand). VCF-style: chr12-57749221-C-A. GRCh37 (hg19) VCF-style: chr12-58143004-C-A.
Other names: c.*1931C>A (NM_001330168.2, NM_001330169.2, NM_005981.5).
Identifiers: ClinVar variation 3378746 (VCV003378746.1).